The following is an entry in ClinVar:

ClinVar aggregate classification (germline): Likely pathogenic. Review status: reviewed by expert panel (3 of 4 stars). 34 submissions from 33 submitters: Likely pathogenic (1). 33 of the submissions do not count toward it. Last evaluated 2024-06-11.

Conditions:
BRCA2-related cancer predisposition. Identifiers: MedGen CN377758, MONDO:0700269.
Genetic non-acquired premature ovarian failure. Identifiers: Orphanet 485382, MedGen C5925042.
BRCA2-related disorder. Also called: BRCA2-related condition; BRCA2-related disorders. Identifiers: MedGen CN239275.
Familial prostate cancer. Also called: Hereditary Prostate Cancer. Identifiers: MedGen C2931456, MONDO:0700275, OMIM 176807.
Hereditary cancer-predisposing syndrome. Also called: Neoplastic Syndromes, Hereditary; Tumor predisposition; Hereditary Cancer Syndrome; Hereditary neoplastic syndrome. Identifiers: Orphanet 140162, MedGen C0027672, MeSH D009386, MONDO:0015356.
Hereditary breast ovarian cancer syndrome. Also called: Breast and ovarian cancer; Hereditary breast and ovarian cancer; Hereditary breast and ovarian cancer syndrome (HBOC); Hereditary breast and ovarian cancer syndrome; BRCA1- and BRCA2-Associated Hereditary Breast and Ovarian Cancer; Hereditary breast and/or ovarian cancer syndrome. Identifiers: Orphanet 145, MedGen C0677776, MeSH D061325, MONDO:0003582. Disease mechanism: loss of function.
Breast-ovarian cancer, familial, susceptibility to, 2 (BROVCA2). Also called: BRCA2 Hereditary Breast and Ovarian Cancer. Identifiers: Orphanet 145, MedGen C2675520, MONDO:0012933, OMIM 612555. Disease mechanism: loss of function.
Familial cancer of breast. Also called: BREAST CANCER, FAMILIAL; hereditary breast carcinoma; Hereditary breast cancer. Identifiers: Orphanet 227535, MedGen C0346153, MONDO:0016419, OMIM 114480. Disease mechanism: loss of function.
Malignant tumor of breast. Also called: Cancer breast; Malignant breast neoplasm. Identifiers: MedGen C0006142, MONDO:0007254. Disease mechanism: loss of function.

Submissions 1 to 3 of 34:

ClinGen ENIGMA BRCA1 and BRCA2 Variant Curation Expert Panel, ClinGen
Classification: Likely pathogenic for BRCA2-related cancer predisposition. Last evaluated: 2024-06-11. Review status: reviewed by expert panel. Criteria: CSpec BRCA1/2ACMG Rules Specifications V1.0. Collection method: curation. Allele origin: germline. Inheritance: Autosomal dominant inheritance.
Comment: The c.9699_9702del variant in BRCA2 is a deletion of four nucleotides, predicted to encode a frameshift with consequent premature termination of the protein at codon 15 of the frameshift, or amino acid 3247 (p.Cys3233TrpfsTer15). The highest non-cancer, non-founder population filter allele frequency in gnomAD v2.1 (exomes only, non-cancer subset, read depth >=20) or gnomAD v3.1 (non-cancer subset, read depth >=20) is 0.0002484 in the Latino/Admixed American population, which is above the ENIGMA BRCA1/2 VCEP threshold (>0.0001) for BS1, and below the BA1 threshold (>0.001) (BS1 met). Multifactorial likelihood ratio analysis using clinically calibrated data produced a combined LR for this variant of 7.08E-23 (based on Family History LR=7.08E-23), below the thresholds for Very strong benign evidence (LR <0.00285) (BP5_Very strong met; Ambry internal contributor). Additional published family history analysis also reflects that this variant does not behave like other high risk variants (PMID: 25639900). Frameshift variant predicted to cause a premature stop codon that is predicted to escape nonsense mediated decay, however it is a truncation of a functionally important region (sequence upstream of BRCA2 p.Glu3309 is disrupted) (PVS1 met). The ENIGMA BRCA1/2 VCEP considered multiple lines of functional and clinical evidence to define exon-specific weights for PTC in BRCA2, and results indicate that strong evidence towards pathogenicity may be applied for a PTC variant in BRCA2 exon 27 (PTC occurs before p.T3310) (PM5_Strong (PTC)). Reported by one calibrated study to exhibit protein function similar to pathogenic control variants (PMID: 33293522) (PS3 met). BRCA2:c.9699_9702del has also been detected in multiple individuals with phenotypic features consistent with FA but who did not meet our criteria for applying PM3. Total points equated to 2 (PM3 met; Ambry and Invitae internal contributors, PMID: 25639900). Due to the higher than expected frequency and results of family history analysis, this variant is considered likely pathogenic with suspected reduced penetrance. In summary, this variant meets the criteria to be classified as a Likely pathogenic variant for BRCA2-related cancer predisposition based on the ACMG/AMP criteria applied as specified by the ENIGMA BRCA1/2 VCEP (BS1, BP5_Very strong, PM5_Strong (PTC), PVS1, PS3, PM3).

Ambry Genetics
Classification: Pathogenic for Hereditary cancer-predisposing syndrome. Last evaluated: 2026-07-06. Review status: criteria provided, single submitter. Criteria: Ambry Variant Classification Scheme 2023. Collection method: clinical testing. Allele origin: germline. Not counted in ClinVar's aggregate classification.
Comment: The c.9699_9702delTATG (p.C3233Wfs*15) alteration, located in exon 27 (coding exon 26) of the BRCA2 gene, consists of a deletion of 4 nucleotides from position 9699 to 9702, causing a translational frameshift with a predicted alternate stop codon after 15 amino acids. This alteration occurs at the 3' terminus of the BRCA2 gene, is not expected to trigger nonsense-mediated mRNA decay, and impacts the last 5.4% of the protein. However, premature stop codons are typically deleterious in nature, the impacted region is critical for protein function, and a significant portion of the protein is affected (Ambry internal data). However, because this variant is identified in one or more patients with Fanconi Anemia it may be hypomorphic and carriers of this variant and their families may present with reduced risks, and not with the typical clinical characteristics of a high-risk pathogenic BRCA2 alteration. As risk estimates are unknown at this time, clinical correlation is advised. Based on data from gnomAD, this allele has an overall frequency of 0.006% (17/281678) total alleles studied. The highest observed frequency was 0.04% (14/35226) of Latino alleles. This alteration (also designated c.9699_9702del and 9927del4 in published literature) has been reported in hereditary breast and/or ovarian cancer families (van der Hout, 2006; Kang, 2015; Alemar, 2017). It has also been identified in multiple families with Fanconi Anemia in a compound heterozygous state with different pathogenic BRCA2 variants (Ambry internal data; external communication), including multiple families presenting with atypical (unusually mild) Fanconi Anemia (Rosenthal, 2015). This alteration occurs 5' to two nonsense mutations at Y3308* and E3309*, which have been shown to be deleterious in in vitro and in vivo functional assays utilizing mouse embryonic stem cells (Kuznetsov, 2008). Based on the available evidence, this alteration is classified as pathogenic.

Labcorp Genetics (formerly Invitae), Labcorp
Classification: Pathogenic for Hereditary breast ovarian cancer syndrome. Last evaluated: 2026-01-28. Review status: criteria provided, single submitter. Criteria: Invitae Variant Classification Sherloc (09022015). Collection method: clinical testing. Allele origin: germline. Not counted in ClinVar's aggregate classification.
Comment: This sequence change creates a premature translational stop signal (p.Cys3233Trpfs*15) in the BRCA2 gene. While this is not anticipated to result in nonsense mediated decay, it is expected to disrupt the last 186 amino acid(s) of the BRCA2 protein. This variant is present in population databases (rs781465150, gnomAD 0.04%). This premature translational stop signal has been observed in individual(s) with clinical features of Fanconi anemia (internal data). This finding is consistent with autosomal recessive inheritance and suggests that this variant contributes to disease. However, in two reported families, this variant occurred with a second pathogenic variant in individuals with early-onset breast cancer; both variants were also found in their healthy siblings, whose only features were abnormal cellular studies (PMID: 25639900). While this variant has been observed in individuals with breast, ovarian, pancreatic and brain cancer (PMID: 29161300, 29084914, 30716324, 29753700, internal data), published data has shown inconsistent segregation with HBOC-associated cancers (PMID: 25639900). This suggests that this pathogenic variant may exhibit lower penetrance or an atypical clinical presentation (PMID: 25639900). ClinVar contains an entry for this variant (Variation ID: 38260). This variant disrupts a region of the BRCA2 protein in which other variant(s) (p.Gln3299Ilefs*29, p.Tyr3308*) have been determined to be pathogenic (PMID: 17026620, 18593900, 18607349, 22711857; internal data). This suggests that this is a clinically significant region of the protein, and that variants that disrupt it are likely to be disease-causing. For these reasons, this variant has been classified as Pathogenic.

NM_000059.4(BRCA2):c.9699_9702del (p.Cys3233fs)

Gene: BRCA2 (BRCA2 DNA repair associated; plus strand). Cytogenetic location: 13q13.1.
Variant type: Deletion.
Coding change: c.9699_9702del on transcript NM_000059.4 (MANE Select); coding-DNA positions 9699 to 9702, 4 bases deleted (TATG; older notation c.9699_9702delTATG).
Protein change: p.Cys3233fs; shifts the reading frame from cysteine 3233.
Molecular consequence: frameshift variant.
Genome position (GRCh38, 1-based): chr13:32,398,212-32,398,215, TATG deleted; deleting any 4 consecutive bases within chr13:32,398,210-32,398,215 gives the same sequence; the c. name uses the placement nearest the transcript's 3' end. VCF-style (leftmost placement, unchanged base first): chr13-32398209-TTGTA-T. GRCh37 (hg19) VCF-style: chr13-32972346-TTGTA-T.
Other names: NM_000059.4(BRCA2):c.9699_9702del; p.Cys3233fs; 9927del4; c.9699_9702delTATG (NM_000059.3).
Identifiers: ClinVar variation 38260 (VCV000038260.129), dbSNP rs80359775, ClinGen allele CA026270.
Genomic context (GRCh38, chr13:32,398,209, plus strand): 5'-ATTTTTTTATCAGATGTCTTCTCCTAATTGTGAGATATATTATCAAAGTCCTTTATCACT[TTGTA>T]TGGCCAAAAGGAAGTCTGTTTCCACACCTGTCTCAGCCCAGATGACTTCAAAGTCTTGTA-3'